The following is an entry in ClinVar:

NM_006361.6(HOXB13):c.167C>A (p.Ser56Ter)

Gene: HOXB13 (homeobox B13; minus strand). Cytogenetic location: 17q21.32.
Variant type: single nucleotide variant.
Coding change: c.167C>A on transcript NM_006361.6 (MANE Select); coding-DNA position 167, C replaced by A.
Protein change: p.Ser56Ter; replaces serine 56 with a stop codon.
Molecular consequence: nonsense.
Genome position (GRCh38, 1-based): chr17:48,728,427, G>T on the plus strand (C>A on the coding strand, the complement: HOXB13 is on the minus strand). VCF-style: chr17-48728427-G-T. GRCh37 (hg19) VCF-style: chr17-46805789-G-T.
Other names: short protein forms S56*.
Identifiers: ClinVar variation 3649796 (VCV003649796.2).

ClinVar aggregate classification (germline): Uncertain significance (1 of 4 stars; one submission).

gnomAD v4.1: 1 of 1,613,344 alleles (0.000062%); no homozygotes.

Submission:

Labcorp Genetics (formerly Invitae), Labcorp
Classification: Uncertain significance. Last evaluated: 2024-11-15. Review status: criteria provided, single submitter. Criteria: Invitae Variant Classification Sherloc (09022015). Collection method: clinical testing. Allele origin: germline.
Comment: This sequence change creates a premature translational stop signal (p.Ser56*) in the HOXB13 gene. It is expected to result in an absent or disrupted protein product. However, the current clinical and genetic evidence is not sufficient to establish whether loss-of-function variants in HOXB13 cause disease. This variant is not present in population databases (gnomAD no frequency). This variant has not been reported in the literature in individuals affected with HOXB13-related conditions. In summary, the available evidence is currently insufficient to determine the role of this variant in disease. Therefore, it has been classified as a Variant of Uncertain Significance.